The following is an entry in ClinVar:

ClinVar aggregate classification (germline): Benign/Likely benign. Review status: criteria provided, multiple submitters, no conflicts (2 of 4 stars). 6 submissions from 6 submitters: Benign (1); Likely benign (5). Last evaluated 2025-11-09.

Conditions:
Von Hippel-Lindau syndrome (VHLS). Also called: Von Hippel-Lindau; von Hippel–Lindau syndrome; VHL syndrome. Identifiers: Orphanet 892, MedGen C0019562, MONDO:0008667, OMIM 193300. Disease mechanism: loss of function.
Chuvash polycythemia. Also called: POLYCYTHEMIA, VHL-DEPENDENT. Identifiers: Orphanet 238557, MedGen C1837915, MONDO:0009892, OMIM 263400.
Hereditary cancer-predisposing syndrome. Also called: Neoplastic Syndromes, Hereditary; Hereditary neoplastic syndrome; Tumor predisposition; Hereditary Cancer Syndrome. Identifiers: Orphanet 140162, MedGen C0027672, MeSH D009386, MONDO:0015356.

Allele frequency attached by ClinVar (database versions not stated): gnomAD 0.00001; TOPMed 0.00001; ExAC 0.00002; gnomAD exomes 0.00002; ESP Exome Variant Server 0.00008.
gnomAD v4.1: 12 of 1,614,050 alleles (0.00074%); highest among the groups gnomAD compares: Admixed American, 0.005%; no homozygotes.

Submissions (6):

Labcorp Genetics (formerly Invitae), Labcorp
Classification: Likely benign for Von Hippel-Lindau syndrome; Chuvash polycythemia. Last evaluated: 2025-11-09. Review status: criteria provided, single submitter. Criteria: Invitae Variant Classification Sherloc (09022015). Collection method: clinical testing. Allele origin: germline.

Myriad Genetics, Inc.
Classification: Benign for Von Hippel-Lindau syndrome. Last evaluated: 2025-06-13. Review status: criteria provided, single submitter. Criteria: Myriad Autosomal Dominant, Autosomal Recessive and X-Linked Classification Criteria (2023). Collection method: clinical testing. Allele origin: unknown.
Comment: This variant is considered benign. This variant is a silent/synonymous amino acid change and it is not expected to impact splicing.

KCCC/NGS Laboratory, Kuwait Cancer Control Center
Classification: Likely benign for Von Hippel-Lindau syndrome. Last evaluated: 2023-07-07. Review status: criteria provided, single submitter. Criteria: ACMG Guidelines, 2015. Collection method: clinical testing. Allele origin: germline. Affected: yes.

CeGaT Center for Human Genetics Tuebingen
Classification: Likely benign. Last evaluated: 2019-05-01. Review status: criteria provided, single submitter. Criteria: CeGaT Center For Human Genetics Tuebingen Variant Classification Criteria Version 2. Collection method: clinical testing. Allele origin: germline. Affected: yes. Observed: 1 variant allele.

GeneDx
Classification: Likely benign. Last evaluated: 2018-05-29. Review status: criteria provided, single submitter. Criteria: GeneDx Variant Classification Process June 2021. Collection method: clinical testing. Allele origin: germline. Affected: yes.

Ambry Genetics
Classification: Likely benign for Hereditary cancer-predisposing syndrome. Last evaluated: 2016-11-18. Review status: criteria provided, single submitter. Criteria: Ambry Variant Classification Scheme 2023. Collection method: clinical testing. Allele origin: germline.

NM_000551.4(VHL):c.540C>T (p.Ile180=)

Genes: VHL (von Hippel-Lindau tumor suppressor; plus strand), LOC107303340 (3p25 von Hippel-Lindau tumor suppressor, E3 ubiquitin protein ligase Alu-mediated recombination region; plus strand). Cytogenetic location: 3p25.3.
Variant type: single nucleotide variant.
Coding change: c.540C>T on transcript NM_000551.4 (MANE Select); coding-DNA position 540, C replaced by T.
Protein change: p.Ile180=; no amino-acid change (isoleucine 180 retained).
Molecular consequence: synonymous variant. On other transcripts: 3 prime UTR variant (1).
Genome position (GRCh38, 1-based): chr3:10,149,863, C>T. VCF-style: chr3-10149863-C-T. GRCh37 (hg19) VCF-style: chr3-10191547-C-T.
Other names: c.*94C>T (NM_001354723.2); c.417C>T, p.Ile139= (NM_198156.3).
Identifiers: ClinVar variation 386669 (VCV000386669.59), dbSNP rs374927292, ClinGen allele CA041478.